The following is an entry in ClinVar:

ClinVar aggregate classification (germline): Conflicting classifications of pathogenicity. Review status: criteria provided, conflicting classifications (1 of 4 stars). 3 submissions from 3 submitters: Likely pathogenic (1); Uncertain significance (1). 1 of the submissions does not count toward it. Last evaluated 2021-10-11.

Conditions:
WFS1-related disorder. Identifiers: MedGen CN379391, MONDO:0700293.
Wolfram-like syndrome. Also called: HEARING LOSS, PROGRESSIVE, WITH OPTIC ATROPHY AND/OR IMPAIRED GLUCOSE REGULATION. Identifiers: Orphanet 411590, MedGen C3280358, MONDO:0013673, OMIM 614296.

Submissions (3):

GeneDx
Classification: Uncertain significance. Last evaluated: 2021-10-11. Review status: criteria provided, single submitter. Criteria: GeneDx Variant Classification Process June 2021. Collection method: clinical testing. Allele origin: germline. Affected: yes.
Comment: Not observed at significant frequency in large population cohorts (Lek et al., 2016); In silico analysis supports that this missense variant does not alter protein structure/function; This variant is associated with the following publications: (PMID: 28802351, 31389194, 21538838)

Blueprint Genetics
Classification: Likely pathogenic for WFS1-related disorders. Last evaluated: 2020-12-18. Review status: criteria provided, single submitter. Criteria: ACMG Guidelines, 2015. Collection method: clinical testing. Allele origin: germline. Affected: yes. Observed: 1 variant allele.

OMIM
Classification: Pathogenic for WOLFRAM-LIKE SYNDROME, AUTOSOMAL DOMINANT. Last evaluated: 2011-06-01. Review status: no assertion criteria provided. Collection method: literature only. Allele origin: germline. Not counted in ClinVar's aggregate classification.

Literature cited by the submitters: PubMed 21538838 (cited by OMIM).

NM_006005.3(WFS1):c.2338G>A (p.Gly780Ser)

Gene: WFS1 (wolframin ER transmembrane glycoprotein; plus strand). Cytogenetic location: 4p16.1.
Variant type: single nucleotide variant.
Coding change: c.2338G>A on transcript NM_006005.3 (MANE Select); coding-DNA position 2338, G replaced by A.
Protein change: p.Gly780Ser; replaces glycine 780 with serine.
Molecular consequence: missense variant.
Genome position (GRCh38, 1-based): chr4:6,302,133, G>A. VCF-style: chr4-6302133-G-A. GRCh37 (hg19) VCF-style: chr4-6303860-G-A.
Other names: c.2338G>A, p.Gly780Ser (NM_001145853.1); short protein forms G780S.
Identifiers: ClinVar variation 30559 (VCV000030559.6), dbSNP rs387906931, ClinGen allele CA129330.
Genomic context (GRCh38, chr4:6,302,133, plus strand): 5'-CTGGCCAAGCACCCCTGCCACATCAAGAAGTTCGACCGCTACAAGTTTGAGATTACCGTG[G>A]GCATGCCATTCAGCAGCGGCGCTGACGGCTCGCGCAGCCGCGAGGAGGACGACGTCACCA-3'
Protein context (NP_005996.2, residues 770-790): FDRYKFEITV[Gly780Ser]MPFSSGADGS